The following is an entry in ClinVar:

ClinVar aggregate classification (germline): Uncertain significance (1 of 4 stars; one submission).

Submission:

Labcorp Genetics (formerly Invitae), Labcorp
Classification: Uncertain significance. Last evaluated: 2022-10-12. Review status: criteria provided, single submitter. Criteria: Invitae Variant Classification Sherloc (09022015). Collection method: clinical testing. Allele origin: germline.
Comment: In summary, the available evidence is currently insufficient to determine the role of this variant in disease. Therefore, it has been classified as a Variant of Uncertain Significance. Advanced modeling of protein sequence and biophysical properties (such as structural, functional, and spatial information, amino acid conservation, physicochemical variation, residue mobility, and thermodynamic stability) performed at Invitae indicates that this missense variant is expected to disrupt KLHL9 protein function. This variant has not been reported in the literature in individuals affected with KLHL9-related conditions. This variant is not present in population databases (gnomAD no frequency). This sequence change replaces histidine, which is basic and polar, with aspartic acid, which is acidic and polar, at codon 393 of the KLHL9 protein (p.His393Asp).

NM_018847.4(KLHL9):c.1177C>G (p.His393Asp)

Gene: KLHL9 (kelch like family member 9; minus strand). Cytogenetic location: 9p21.3.
Variant type: single nucleotide variant.
Coding change: c.1177C>G on transcript NM_018847.4 (MANE Select); coding-DNA position 1177, C replaced by G.
Protein change: p.His393Asp; replaces histidine 393 with aspartic acid.
Molecular consequence: missense variant.
Genome position (GRCh38, 1-based): chr9:21,333,683, G>C on the plus strand (C>G on the coding strand, the complement: KLHL9 is on the minus strand). VCF-style: chr9-21333683-G-C. GRCh37 (hg19) VCF-style: chr9-21333682-G-C.
Other names: short protein forms H393D.
Identifiers: ClinVar variation 2035215 (VCV002035215.4), dbSNP rs772072891, ClinGen allele CA373069737.